The following is an entry in ClinVar:

NM_024675.4(PALB2):c.952A>G (p.Ser318Gly)

Gene: PALB2 (partner and localizer of BRCA2; minus strand). Cytogenetic location: 16p12.2.
Variant type: single nucleotide variant.
Coding change: c.952A>G on transcript NM_024675.4 (MANE Select); coding-DNA position 952, A replaced by G.
Protein change: p.Ser318Gly; replaces serine 318 with glycine.
Molecular consequence: missense variant. On other transcripts: intron variant (3).
Genome position (GRCh38, 1-based): chr16:23,635,594, T>C on the plus strand (A>G on the coding strand, the complement: PALB2 is on the minus strand). VCF-style: chr16-23635594-T-C. GRCh37 (hg19) VCF-style: chr16-23646915-T-C.
Other names: c.892A>G, p.Ser298Gly (NM_001407296.1); c.952A>G, p.Ser318Gly (NM_001407297.1, NM_001407298.1, NM_001407299.1 and 3 more transcripts); c.67A>G, p.Ser23Gly (NM_001407304.1, NM_001407305.1, NM_001407306.1 and 5 more transcripts); c.48+5516A>G (NM_001407314.1); c.-104-5125A>G (NM_001407313.1, NM_001407312.1); short protein forms S318G, S23G, S298G.
Identifiers: ClinVar variation 3666413 (VCV003666413.2).

ClinVar aggregate classification (germline): Uncertain significance (1 of 4 stars; one submission).

Conditions:
Familial cancer of breast. Also called: hereditary breast carcinoma; Hereditary breast cancer; BREAST CANCER, FAMILIAL. Identifiers: Orphanet 227535, MedGen C0346153, MONDO:0016419, OMIM 114480. Disease mechanism: loss of function.

Submission:

Labcorp Genetics (formerly Invitae), Labcorp
Classification: Uncertain significance for Familial cancer of breast. Last evaluated: 2024-09-16. Review status: criteria provided, single submitter. Criteria: Invitae Variant Classification Sherloc (09022015). Collection method: clinical testing. Allele origin: germline.
Comment: This sequence change replaces serine, which is neutral and polar, with glycine, which is neutral and non-polar, at codon 318 of the PALB2 protein (p.Ser318Gly). This variant is not present in population databases (gnomAD no frequency). This variant has not been reported in the literature in individuals affected with PALB2-related conditions. Invitae Evidence Modeling of protein sequence and biophysical properties (such as structural, functional, and spatial information, amino acid conservation, physicochemical variation, residue mobility, and thermodynamic stability) indicates that this missense variant is not expected to disrupt PALB2 protein function with a negative predictive value of 80%. In summary, the available evidence is currently insufficient to determine the role of this variant in disease. Therefore, it has been classified as a Variant of Uncertain Significance.